The following is an entry in ClinVar:

NM_001002295.2(GATA3):c.708del (p.Ser237fs)

Gene: GATA3 (GATA binding protein 3; plus strand). Cytogenetic location: 10p14.
Variant type: Deletion.
Coding change: c.708del on transcript NM_001002295.2 (MANE Select); coding-DNA position 708, one base deleted (C; older notation c.708delC).
Protein change: p.Ser237fs; shifts the reading frame from serine 237.
Molecular consequence: frameshift variant.
Genome position (GRCh38, 1-based): chr10:8,058,771, C deleted; the last of 7 consecutive C bases (chr10:8,058,765-8,058,771); deleting any one gives the same sequence. VCF-style (leftmost placement, unchanged base first): chr10-8058764-TC-T. GRCh37 (hg19) VCF-style: chr10-8100727-TC-T.
Other names: c.708del, p.Ser237fs (NM_002051.3); c.708del (NM_001002295.1); short protein forms S237fs.
Identifiers: ClinVar variation 802559 (VCV000802559.9), dbSNP rs771019738, ClinGen allele CA5404428.

ClinVar aggregate classification (germline): Pathogenic. Review status: criteria provided, multiple submitters, no conflicts (2 of 4 stars). 6 submissions from 6 submitters: Pathogenic (6). Last evaluated 2026-01-08.

Conditions:
GATA3-related disorder. Also called: GATA3-related condition.
Hypoparathyroidism, deafness, renal disease syndrome (HDRS). Also called: HYPOPARATHYROIDISM, SENSORINEURAL DEAFNESS, AND RENAL DYSPLASIA SYNDROME. Identifiers: Orphanet 2237, MedGen C1840333, MONDO:0007797, OMIM 146255.

Submissions (6):

Variantyx, Inc.
Classification: Pathogenic for Hypoparathyroidism, deafness, renal disease syndrome. Last evaluated: 2026-01-08. Review status: criteria provided, single submitter. Criteria: Variantyx Assertion Criteria 2022. Collection method: clinical testing. Allele origin: germline. Inheritance: Autosomal dominant inheritance. Affected: yes.
Comment: This is a frameshift variant in the GATA3 gene (OMIM: 131320). Pathogenic variants in this gene have been associated with autosomal dominant hypoparathyroidism, sensorineural deafness, and renal dysplasia. This variant likely occurred de novo in an affected pregnancy in the published literature; however, the possibility of parental germline mosaicism cannot be excluded (PMID: 39252126) (PS2_Supporting). Thie alteration introduces a premature termination codon in exon 3 out of 6 and is expected to result in loss of function, which is a known disease mechanism for GATA3 in this disorder (PMID: 17210674, 14985365, 21242646) (PVS1). This variant has been reported in several unrelated affected individuals (PMID: 17210674, 26282285, 36703223) (PS4). It has a 0.0001% maximum allele frequency in non-founder control populations (PM2). Based on the current evidence, this variant is classified as pathogenic for autosomal dominant hypoparathyroidism, sensorineural deafness, and renal dysplasia.

Labcorp Genetics (formerly Invitae), Labcorp
Classification: Pathogenic. Last evaluated: 2025-12-11. Review status: criteria provided, single submitter. Criteria: Invitae Variant Classification Sherloc (09022015). Collection method: clinical testing. Allele origin: germline.
Comment: This sequence change creates a premature translational stop signal (p.Ser237Alafs*29) in the GATA3 gene. It is expected to result in an absent or disrupted protein product. Loss-of-function variants in GATA3 are known to be pathogenic (PMID: 14985365, 21242646). The frequency data for this variant in the population databases is considered unreliable, as metrics indicate poor data quality at this position in the gnomAD database. This premature translational stop signal has been observed in individual(s) with hypoparathyroidism, deafness, and renal dysplasia (HDR) syndrome (PMID: 17210674, 26282285). This variant is also known as a deletion at codon 236. ClinVar contains an entry for this variant (Variation ID: 802559). For these reasons, this variant has been classified as Pathogenic.

GeneDx
Classification: Pathogenic. Last evaluated: 2023-11-14. Review status: criteria provided, single submitter. Criteria: GeneDx Variant Classification Process June 2021. Collection method: clinical testing. Allele origin: germline. Affected: yes.
Comment: Frameshift variant predicted to result in protein truncation or nonsense mediated decay in a gene for which loss of function is a known mechanism of disease; Not observed at significant frequency in large population cohorts (gnomAD); This variant is associated with the following publications: (PMID: 36194208, 36703223, 17210674, 26282285)

Dubai Health Genomic Medicine Center, Dubai Health
Classification: Pathogenic. Last evaluated: 2022-12-17. Review status: criteria provided, single submitter. Criteria: ACMG Guidelines, 2015. Collection method: clinical testing. Allele origin: germline. Affected: yes.

Blueprint Genetics
Classification: Pathogenic for GATA3-related disorders. Last evaluated: 2022-06-15. Review status: criteria provided, single submitter. Criteria: ACMG Guidelines, 2015. Collection method: clinical testing. Allele origin: germline. Affected: yes. Observed: 1 variant allele.

Mendelics
Classification: Pathogenic for Hypoparathyroidism, deafness, renal disease syndrome. Last evaluated: 2019-05-28. Review status: criteria provided, single submitter. Criteria: Mendelics Assertion Criteria 2017. Collection method: clinical testing. Allele origin: unknown.

Literature cited by the submitters: PubMed 17210674 (cited by Variantyx, Inc. and Labcorp Genetics (formerly Invitae), Labcorp); PubMed 14985365 (cited by Variantyx, Inc. and Labcorp Genetics (formerly Invitae), Labcorp); PubMed 21242646 (cited by Variantyx, Inc. and Labcorp Genetics (formerly Invitae), Labcorp); PubMed 26282285 (cited by Variantyx, Inc. and Labcorp Genetics (formerly Invitae), Labcorp); PubMed 36703223 (cited by Variantyx, Inc.); PubMed 39252126 (cited by Variantyx, Inc.).